The following is an entry in ClinVar:

ClinVar aggregate classification (germline): Uncertain significance. Review status: criteria provided, multiple submitters, no conflicts (2 of 4 stars). 2 submissions from 2 submitters: Uncertain significance (2). Last evaluated 2025-07-14.

Conditions:
Baller-Gerold syndrome (BGS). Also called: CRANIOSYNOSTOSIS WITH RADIAL DEFECTS. Identifiers: Orphanet 1225, MedGen C0265308, MONDO:0009039, OMIM 218600.
Inborn genetic diseases. Identifiers: MedGen C0950123, MeSH D030342.

Allele frequency attached by ClinVar (database versions not stated): ExAC below 0.00001.

Submissions (2):

Labcorp Genetics (formerly Invitae), Labcorp
Classification: Uncertain significance for Baller-Gerold syndrome. Last evaluated: 2025-07-14. Review status: criteria provided, single submitter. Criteria: Invitae Variant Classification Sherloc (09022015). Collection method: clinical testing. Allele origin: germline.
Comment: This sequence change replaces alanine, which is neutral and non-polar, with valine, which is neutral and non-polar, at codon 480 of the RECQL4 protein (p.Ala480Val). This variant is present in population databases (rs767337200, gnomAD 0.003%). This variant has not been reported in the literature in individuals affected with RECQL4-related conditions. ClinVar contains an entry for this variant (Variation ID: 566077). Invitae Evidence Modeling of protein sequence and biophysical properties (such as structural, functional, and spatial information, amino acid conservation, physicochemical variation, residue mobility, and thermodynamic stability) indicates that this missense variant is expected to disrupt RECQL4 protein function with a positive predictive value of 80%. In summary, the available evidence is currently insufficient to determine the role of this variant in disease. Therefore, it has been classified as a Variant of Uncertain Significance.

Ambry Genetics
Classification: Uncertain significance for Inborn genetic diseases. Last evaluated: 2025-01-21. Review status: criteria provided, single submitter. Criteria: Ambry Variant Classification Scheme 2023. Collection method: clinical testing. Allele origin: germline.
Comment: The p.A480V variant (also known as c.1439C>T), located in coding exon 8 of the RECQL4 gene, results from a C to T substitution at nucleotide position 1439. The alanine at codon 480 is replaced by valine, an amino acid with similar properties. This amino acid position is conserved. In addition, the in silico prediction for this alteration is inconclusive. Based on the available evidence, the clinical significance of this variant remains unclear.

NM_004260.4(RECQL4):c.1439C>T (p.Ala480Val)

Gene: RECQL4 (RecQ like helicase 4; minus strand). Cytogenetic location: 8q24.3.
Variant type: single nucleotide variant.
Coding change: c.1439C>T on transcript NM_004260.4 (MANE Select); coding-DNA position 1439, C replaced by T.
Protein change: p.Ala480Val; replaces alanine 480 with valine.
Molecular consequence: missense variant.
Genome position (GRCh38, 1-based): chr8:144,515,194, G>A on the plus strand (C>T on the coding strand, the complement: RECQL4 is on the minus strand). VCF-style: chr8-144515194-G-A. GRCh37 (hg19) VCF-style: chr8-145740578-G-A.
Other names: short protein forms A480V.
Identifiers: ClinVar variation 566077 (VCV000566077.8), dbSNP rs767337200, ClinGen allele CA4948857.